The following is an entry in ClinVar:

NM_000138.5(FBN1):c.4817-3_4818dup

Gene: FBN1 (fibrillin 1; minus strand). Cytogenetic location: 15q21.1.
Variant type: Duplication.
Coding change: c.4817-3_4818dup on transcript NM_000138.5 (MANE Select); 3 bases into the intron before coding-DNA position 4817 through coding-DNA position 4818, 5 bases duplicated (TAGAT; older notation c.4817-3_4818dupTAGAT).
Molecular consequence: splice acceptor variant.
Genome position (GRCh38, 1-based): chr15:48,465,692-48,465,696, ATCTA duplicated on the plus strand (TAGAT on the coding strand, the reverse complement: FBN1 is on the minus strand). VCF-style (leftmost placement, unchanged base first): chr15-48465691-T-TATCTA. GRCh37 (hg19) VCF-style: chr15-48757888-T-TATCTA.
Identifiers: ClinVar variation 1482439 (VCV001482439.6), dbSNP rs2141269780, ClinGen allele CA2573150782.

ClinVar aggregate classification (germline): Uncertain significance (1 of 4 stars; one submission).

Conditions:
Marfan syndrome (MFS). Also called: MARFAN SYNDROME, TYPE I; Marfan syndrome type 1; Marfan's syndrome; Marfan syndrome, classic; FBN1-Related Marfan Syndrome. Identifiers: Orphanet 284963, Orphanet 558, MedGen C0024796, MONDO:0007947, OMIM 154700.
Familial thoracic aortic aneurysm and aortic dissection (TAAD). Also called: Thoracic aortic aneurysms and dissections. Identifiers: Orphanet 91387, MedGen C4707243, MONDO:0019625.

Submission:

Labcorp Genetics (formerly Invitae), Labcorp
Classification: Uncertain significance for Marfan syndrome; Familial thoracic aortic aneurysm and aortic dissection. Last evaluated: 2021-06-08. Review status: criteria provided, single submitter. Criteria: Invitae Variant Classification Sherloc (09022015). Collection method: clinical testing. Allele origin: germline.
Comment: This variant is not present in population databases (ExAC no frequency). In summary, the available evidence is currently insufficient to determine the role of this variant in disease. Therefore, it has been classified as a Variant of Uncertain Significance. Algorithms developed to predict the effect of sequence changes on RNA splicing suggest that this variant may create or strengthen a splice site, but this prediction has not been confirmed by published transcriptional studies. This variant has not been reported in the literature in individuals with FBN1-related conditions. This variant is also known as c.4817-4_c.4817-3insTAGAT. This sequence change falls in intron 39 of the FBN1 gene. It does not directly change the encoded amino acid sequence of the FBN1 protein.